The following is an entry in ClinVar:

NM_033026.6(PCLO):c.9835T>G (p.Phe3279Val)

Gene: PCLO (piccolo presynaptic cytomatrix protein; minus strand). Cytogenetic location: 7q21.11.
Variant type: single nucleotide variant.
Coding change: c.9835T>G on transcript NM_033026.6 (MANE Select); coding-DNA position 9835, T replaced by G.
Protein change: p.Phe3279Val; replaces phenylalanine 3279 with valine.
Molecular consequence: missense variant.
Genome position (GRCh38, 1-based): chr7:82,950,753, A>C on the plus strand (T>G on the coding strand, the complement: PCLO is on the minus strand). VCF-style: chr7-82950753-A-C. GRCh37 (hg19) VCF-style: chr7-82580069-A-C.
Other names: c.9835T>G, p.Phe3279Val (NM_014510.3); short protein forms F3279V.
Identifiers: ClinVar variation 2049027 (VCV002049027.4), dbSNP rs1389776180, ClinGen allele CA367906373.
Genomic context (GRCh38, chr7:82,950,753, plus strand): 5'-GCTGTTGGATCTGCTCAAGCTGTAACTGTTGCTGAGCTAACGTCTCCTGCCTCATCATGA[A>C]CTGGGCTTGCCGCTCTTCTTCTTGCTGAAAGAGAAGGTGTTGCTTCATAGACTGCAGCTC-3'
Protein context (NP_149015.2, residues 3269-3289): FQQEEERQAQ[Phe3279Val]MMRQETLAQQ

ClinVar aggregate classification (germline): Uncertain significance (1 of 4 stars; one submission).

gnomAD v4.1: 4 of 1,613,746 alleles (0.00025%); highest among the groups gnomAD compares: Non-Finnish European, 0.00034%; no homozygotes.

Submission:

Labcorp Genetics (formerly Invitae), Labcorp
Classification: Uncertain significance. Last evaluated: 2021-12-19. Review status: criteria provided, single submitter. Criteria: Invitae Variant Classification Sherloc (09022015). Collection method: clinical testing. Allele origin: germline.
Comment: This sequence change replaces phenylalanine, which is neutral and non-polar, with valine, which is neutral and non-polar, at codon 3279 of the PCLO protein (p.Phe3279Val). In summary, the available evidence is currently insufficient to determine the role of this variant in disease. Therefore, it has been classified as a Variant of Uncertain Significance. Algorithms developed to predict the effect of sequence changes on RNA splicing suggest that this variant may create or strengthen a splice site. Algorithms developed to predict the effect of missense changes on protein structure and function are either unavailable or do not agree on the potential impact of this missense change (SIFT: "Deleterious"; PolyPhen-2: "Not Available"; Align-GVGD: "Class C0"). This variant has not been reported in the literature in individuals affected with PCLO-related conditions. This variant is present in population databases (no rsID available, gnomAD 0.0009%).